The following is an entry in ClinVar:

NM_001242896.3(DEPDC5):c.590_592del (p.Asn197_Gly198delinsSer)

Gene: DEPDC5 (DEP domain containing 5, GATOR1 subcomplex subunit; plus strand). Cytogenetic location: 22q12.2.
Variant type: Deletion.
Coding change: c.590_592del on transcript NM_001242896.3 (MANE Select); coding-DNA positions 590 to 592, 3 bases deleted (ATG; older notation c.590_592delATG).
Protein change: p.Asn197_Gly198delinsSer.
Molecular consequence: inframe indel. On other transcripts: non-coding transcript variant (5).
Genome position (GRCh38, 1-based): chr22:31,784,841-31,784,843, ATG deleted. VCF-style (leftmost placement, unchanged base first): chr22-31784840-AATG-A. GRCh37 (hg19) VCF-style: chr22-32180826-AATG-A.
Other names: c.590_592del, p.Asn197_Gly198delinsSer (NM_001007188.4, NM_001136029.4, NM_001242897.2 and 7 more transcripts); c.506_508del, p.Asn169_Gly170delinsSer (NM_001369901.1, NM_001369902.1).
Identifiers: ClinVar variation 966107 (VCV000966107.9), dbSNP rs752918565, ClinGen allele CA10196035.

ClinVar aggregate classification (germline): Uncertain significance (1 of 4 stars; one submission).

Conditions:
Familial focal epilepsy with variable foci (FPEVF). Identifiers: Orphanet 98820, MedGen C1858477, MONDO:0020310.

Allele frequency attached by ClinVar (database versions not stated): gnomAD exomes below 0.00001 and 0.00001; ExAC 0.00001.

Submission:

Labcorp Genetics (formerly Invitae), Labcorp
Classification: Uncertain significance for Familial focal epilepsy with variable foci. Last evaluated: 2019-10-28. Review status: criteria provided, single submitter. Criteria: Invitae Variant Classification Sherloc (09022015). Collection method: clinical testing. Allele origin: germline.
Comment: Algorithms developed to predict the effect of sequence changes on RNA splicing suggest that this variant may create or strengthen a splice site, but this prediction has not been confirmed by published transcriptional studies. In summary, the available evidence is currently insufficient to determine the role of this variant in disease. Therefore, it has been classified as a Variant of Uncertain Significance. This variant has not been reported in the literature in individuals with DEPDC5-related conditions. This variant, c.590_592del, is a complex sequence change that results in the deletion of asparagine and glycine and insertion of serine amino acid(s) in the DEPDC5 protein (p.Asn197_Gly198delinsSer). The frequency data for this variant in the population databases is considered unreliable, as metrics indicate poor data quality at this position in the ExAC database.